The following is an entry in ClinVar:

ClinVar aggregate classification (germline): Uncertain significance. Review status: criteria provided, multiple submitters, no conflicts (2 of 4 stars). 2 submissions from 2 submitters: Uncertain significance (2). Last evaluated 2026-06-17.

Conditions:
Mosaic variegated aneuploidy syndrome 1 (MVA1). Also called: Warburton-Anyane-Yeboa syndrome. Identifiers: Orphanet 1052, MedGen C1850343, MONDO:0009759, OMIM 257300.
Inborn genetic diseases. Identifiers: MedGen C0950123, MeSH D030342.

Submissions (2):

Ambry Genetics
Classification: Uncertain significance for Inborn genetic diseases. Last evaluated: 2026-06-17. Review status: criteria provided, single submitter. Criteria: Ambry Variant Classification Scheme 2023. Collection method: clinical testing. Allele origin: germline.
Comment: The p.S696P variant (also known as c.2086T>C), located in coding exon 16 of the BUB1B gene, results from a T to C substitution at nucleotide position 2086. The serine at codon 696 is replaced by proline, an amino acid with similar properties. This amino acid position is conserved. In addition, this alteration is predicted to be tolerated by in silico analysis. Based on the available evidence, the clinical significance of this variant remains unclear.

Labcorp Genetics (formerly Invitae), Labcorp
Classification: Uncertain significance for Mosaic variegated aneuploidy syndrome 1. Last evaluated: 2024-09-22. Review status: criteria provided, single submitter. Criteria: Invitae Variant Classification Sherloc (09022015). Collection method: clinical testing. Allele origin: germline.
Comment: This sequence change replaces serine, which is neutral and polar, with proline, which is neutral and non-polar, at codon 696 of the BUB1B protein (p.Ser696Pro). This variant is not present in population databases (gnomAD no frequency). This variant has not been reported in the literature in individuals affected with BUB1B-related conditions. An algorithm developed to predict the effect of missense changes on protein structure and function (PolyPhen-2) suggests that this variant is likely to be disruptive. In summary, the available evidence is currently insufficient to determine the role of this variant in disease. Therefore, it has been classified as a Variant of Uncertain Significance.

NM_001211.6(BUB1B):c.2086T>C (p.Ser696Pro)

Gene: BUB1B (BUB1 mitotic checkpoint serine/threonine kinase B; plus strand). Cytogenetic location: 15q15.1.
Variant type: single nucleotide variant.
Coding change: c.2086T>C on transcript NM_001211.6 (MANE Select); coding-DNA position 2086, T replaced by C.
Protein change: p.Ser696Pro; replaces serine 696 with proline.
Molecular consequence: missense variant.
Genome position (GRCh38, 1-based): chr15:40,208,713, T>C. VCF-style: chr15-40208713-T-C. GRCh37 (hg19) VCF-style: chr15-40500914-T-C.
Other names: short protein forms S696P.
Identifiers: ClinVar variation 3631371 (VCV003631371.3).